The following is an entry in ClinVar:

NM_004260.4(RECQL4):c.1060G>T (p.Val354Leu)

Gene: RECQL4 (RecQ like helicase 4; minus strand). Cytogenetic location: 8q24.3.
Variant type: single nucleotide variant.
Coding change: c.1060G>T on transcript NM_004260.4 (MANE Select); coding-DNA position 1060, G replaced by T.
Protein change: p.Val354Leu; replaces valine 354 with leucine.
Molecular consequence: missense variant.
Genome position (GRCh38, 1-based): chr8:144,516,059, C>A on the plus strand (G>T on the coding strand, the complement: RECQL4 is on the minus strand). VCF-style: chr8-144516059-C-A. GRCh37 (hg19) VCF-style: chr8-145741443-C-A.
Other names: short protein forms V354L.
Identifiers: ClinVar variation 566758 (VCV000566758.6), dbSNP rs551940973, ClinGen allele CA4949092.
Genomic context (GRCh38, chr8:144,516,059, plus strand): 5'-GGAGCCTGCTACGGAGTGCCCGGCCCCGCACGTAGTGTTTCTGCTTCATGTTGAGCCGTA[C>A]GTAATTGCCCCTGTCATGGCGGGCCAGCCGAGGGAAGATGTGCAGGGGGGCTGTGCCCTC-3'
Protein context (NP_004251.4, residues 344-364): RLARHDRGNY[Val354Leu]RLNMKQKHYV

ClinVar aggregate classification (germline): Uncertain significance. Review status: criteria provided, multiple submitters, no conflicts (2 of 4 stars). 2 submissions from 2 submitters: Uncertain significance (2). Last evaluated 2025-08-13.

Conditions:
Inborn genetic diseases. Identifiers: MedGen C0950123, MeSH D030342.
Baller-Gerold syndrome (BGS). Also called: CRANIOSYNOSTOSIS WITH RADIAL DEFECTS. Identifiers: Orphanet 1225, MedGen C0265308, MONDO:0009039, OMIM 218600.

gnomAD v4.1: 7 of 1,612,676 alleles (0.00043%); highest among the groups gnomAD compares: South Asian, 0.0077%; no homozygotes.

Submissions (2):

Labcorp Genetics (formerly Invitae), Labcorp
Classification: Uncertain significance for Baller-Gerold syndrome. Last evaluated: 2025-08-13. Review status: criteria provided, single submitter. Criteria: Invitae Variant Classification Sherloc (09022015). Collection method: clinical testing. Allele origin: germline.
Comment: This sequence change replaces valine, which is neutral and non-polar, with leucine, which is neutral and non-polar, at codon 354 of the RECQL4 protein (p.Val354Leu). This variant is present in population databases (rs551940973, gnomAD 0.006%). This variant has not been reported in the literature in individuals affected with RECQL4-related conditions. ClinVar contains an entry for this variant (Variation ID: 566758). Invitae Evidence Modeling of protein sequence and biophysical properties (such as structural, functional, and spatial information, amino acid conservation, physicochemical variation, residue mobility, and thermodynamic stability) indicates that this missense variant is expected to disrupt RECQL4 protein function with a positive predictive value of 80%. In summary, the available evidence is currently insufficient to determine the role of this variant in disease. Therefore, it has been classified as a Variant of Uncertain Significance.

Ambry Genetics
Classification: Uncertain significance for Inborn genetic diseases. Last evaluated: 2025-03-15. Review status: criteria provided, single submitter. Criteria: Ambry Variant Classification Scheme 2023. Collection method: clinical testing. Allele origin: germline.
Comment: The p.V354L variant (also known as c.1060G>T), located in coding exon 5 of the RECQL4 gene, results from a G to T substitution at nucleotide position 1060. The valine at codon 354 is replaced by leucine, an amino acid with highly similar properties. This amino acid position is conserved. In addition, this alteration is predicted to be tolerated by in silico analysis. Based on the available evidence, the clinical significance of this variant remains unclear.